The following is an entry in ClinVar:

ClinVar aggregate classification (germline): Uncertain significance (1 of 4 stars; one submission).

Conditions:
Chopra-Amiel-Gordon syndrome (CAGS). Also called: ANKRD17-Related Neurodevelopmental Syndrome. Identifiers: MedGen C5561975, MONDO:0859186, OMIM 619504.

gnomAD v4.1: 10 of 1,607,470 alleles (0.00062%); highest among the groups gnomAD compares: Non-Finnish European, 0.00085%; no homozygotes.

Submission:

Victorian Clinical Genetics Services, Murdoch Childrens Research Institute
Classification: Uncertain significance for Chopra-Amiel-Gordon syndrome. Last evaluated: 2024-10-09. Review status: criteria provided, single submitter. Criteria: ACMG Guidelines, 2015. Collection method: clinical testing. Allele origin: germline. Inheritance: Autosomal dominant inheritance. Affected: yes.
Comment: Based on the classification scheme VCGS_Germline_v1.3.4, this variant is classified as VUS-3A. Following criteria are met: 0102 - Loss of function is a known mechanism of disease in this gene and is associated with Chopra-Amiel-Gordon syndrome (MIM#619504). (I) 0107 - This gene is associated with autosomal dominant disease. (I) 0211 - Canonical splice site variant without proven consequence on splicing (no functional evidence available). (SP) 0251 - This variant is heterozygous. (I) 0302 - Variant is present in gnomAD (v4) <0.001 for a dominant condition (10 heterozygotes, 0 homozygotes). (SP) 0505 - Abnormal splicing is predicted by in silico tools and affected nucleotide is highly conserved. (SP) 0705 - No comparable splice site variants have previous evidence for pathogenicity. (I) 0807 - This variant has no previous evidence of pathogenicity. (I) 0905 - No published segregation evidence has been identified for this variant. (I) 1007 - No published functional evidence has been identified for this variant. (I) Legend: (SP) - Supporting pathogenic, (I) - Information, (SB) - Supporting benign

NM_032217.5(ANKRD17):c.3086-1G>A

Gene: ANKRD17 (ankyrin repeat domain 17; minus strand). Cytogenetic location: 4q13.3.
Variant type: single nucleotide variant.
Coding change: c.3086-1G>A on transcript NM_032217.5 (MANE Select); the canonical splice acceptor site of the intron before coding-DNA position 3086, G replaced by A.
Molecular consequence: splice acceptor variant. On other transcripts: intron variant (1).
Genome position (GRCh38, 1-based): chr4:73,135,266, C>T on the plus strand (G>A on the coding strand, the complement: ANKRD17 is on the minus strand). VCF-style: chr4-73135266-C-T. GRCh37 (hg19) VCF-style: chr4-74000983-C-T.
Other names: c.2333-1G>A (NM_198889.3); c.3086-4G>A (NM_015574.2); c.2747-1G>A (NM_001286771.3).
Identifiers: ClinVar variation 3377090 (VCV003377090.1).
Genomic context (GRCh38, chr4:73,135,266, plus strand): 5'-TGGATGCAGCAATACTGTGGGTAGGAGTGTTTGACATTGCAGATGCTCTTCCACTGACTG[C>T]TGTTGAACAAAATAACTGCACTTAATAAGGATGAAACATTGTTAAGTAATACTAAGACAT-3'